The following is an entry in ClinVar:

ClinVar aggregate classification (germline): Likely benign (1 of 4 stars; one submission).

Submission:

CeGaT Center for Human Genetics Tuebingen
Classification: Likely benign. Last evaluated: 2026-05-01. Review status: criteria provided, single submitter. Criteria: CeGaT Center For Human Genetics Tuebingen Variant Classification Criteria Version 2. Collection method: clinical testing. Allele origin: germline. Affected: yes. Observed: 1 variant allele.
Comment: ZNF687: BP4, BP7

NM_020832.3(ZNF687):c.2967A>G (p.Ser989=)

Gene: ZNF687 (zinc finger protein 687; plus strand). Cytogenetic location: 1q21.3.
Variant type: single nucleotide variant.
Coding change: c.2967A>G on transcript NM_020832.3 (MANE Select); coding-DNA position 2967, A replaced by G.
Protein change: p.Ser989=; no amino-acid change (serine 989 retained).
Molecular consequence: synonymous variant.
Genome position (GRCh38, 1-based): chr1:151,290,124, A>G. VCF-style: chr1-151290124-A-G. GRCh37 (hg19) VCF-style: chr1-151262600-A-G.
Other names: c.2967A>G, p.Ser989= (NM_001304763.2, NM_001304764.2).
Identifiers: ClinVar variation 4874826 (VCV004874826.2).